The following is an entry in ClinVar:

ClinVar aggregate classification (germline): Likely benign. Review status: criteria provided, multiple submitters, no conflicts (2 of 4 stars). 3 submissions from 3 submitters: Likely benign (3). Last evaluated 2024-09-16.

Conditions:
Cardiovascular phenotype. Identifiers: MedGen CN230736.
Familial hypobetalipoproteinemia 1. Also called: Hypobetalipoproteinemia, normotriglyceridemic; Acanthocytosis with hypobetalipoproteinemia; APOB-Related Familial Hypobetalipoproteinemia. Identifiers: MedGen C4551990, MONDO:0014252, OMIM 615558.
Hypercholesterolemia, autosomal dominant, type B (FHCL2). Also called: Familial Hypercholesterolemia Type B; HYPERCHOLESTEROLEMIA, FAMILIAL, DUE TO LIGAND-DEFECTIVE APOLIPOPROTEIN B; Familial hypercholesterolemia 2; APOB-Related Familial Hypercholesterolemia, Autosomal Dominant; APOLIPOPROTEIN B-100, FAMILIAL DEFECTIVE; APOLIPOPROTEIN B-100, FAMILIAL LIGAND-DEFECTIVE. Identifiers: MedGen C1704417, MONDO:0007751, OMIM 144010.
Familial hypercholesterolemia. Also called: Familial hypercholesterolemias; Familial hypercholesterolaemia. Identifiers: MedGen C0020445, MONDO:0005439.

Allele frequency attached by ClinVar (database versions not stated): gnomAD exomes 0.00001 and 0.00002; gnomAD 0.00002; TOPMed 0.00002; ExAC 0.00001.
gnomAD v4.1: 34 of 1,613,986 alleles (0.0021%); highest among the groups gnomAD compares: African/African-American, 0.004%; no homozygotes.

Submissions (3):

GENinCode PLC
Classification: Likely benign for Familial hypercholesterolemia. Last evaluated: 2024-09-16. Review status: criteria provided, single submitter. Criteria: ACMG Guidelines, 2015. Collection method: clinical testing. Allele origin: germline.
Comment: This is a synonymous (silent) variant that is not predicted by SpliceAI to impact splicing. In addition, it occurs at a nucleotide that is not conserved. Therefore this variant has been classified as Likely Benign (BP4, BP7).

Labcorp Genetics (formerly Invitae), Labcorp
Classification: Likely benign for Familial hypobetalipoproteinemia 1; Hypercholesterolemia, autosomal dominant, type B. Last evaluated: 2024-06-09. Review status: criteria provided, single submitter. Criteria: Invitae Variant Classification Sherloc (09022015). Collection method: clinical testing. Allele origin: germline.

Ambry Genetics
Classification: Likely benign for Cardiovascular phenotype. Last evaluated: 2020-03-26. Review status: criteria provided, single submitter. Criteria: Ambry Variant Classification Scheme 2023. Collection method: clinical testing. Allele origin: germline.

NM_000384.3(APOB):c.1240C>T (p.Leu414=)

Gene: APOB (apolipoprotein B; minus strand). Cytogenetic location: 2p24.1.
Variant type: single nucleotide variant.
Coding change: c.1240C>T on transcript NM_000384.3 (MANE Select); coding-DNA position 1240, C replaced by T.
Protein change: p.Leu414=; no amino-acid change (leucine 414 retained).
Molecular consequence: synonymous variant.
Genome position (GRCh38, 1-based): chr2:21,032,466, G>A on the plus strand (C>T on the coding strand, the complement: APOB is on the minus strand). VCF-style: chr2-21032466-G-A. GRCh37 (hg19) VCF-style: chr2-21255338-G-A.
Identifiers: ClinVar variation 926357 (VCV000926357.8), dbSNP rs772077972, ClinGen allele CA050268.
Genomic context (GRCh38, chr2:21,032,466, plus strand): 5'-TCGCCATGTTGAAGATCTCTCGCAGCTGCTGTGCTGAGGGCTCGGGGATCAGGGCCACCA[G>A]GTAGGTGACCACATCTATCAGAAGGGGGTTGGCATGCACACGTTTCAGCCACTGGAGGAT-3'
Protein context (NP_000375.3, residues 404-424): NPLLIDVVTY[Leu414=]VALIPEPSAQ